The following is an entry in ClinVar:

ClinVar aggregate classification (germline): Pathogenic (1 of 4 stars; one submission).

Conditions:
Bardet-Biedl syndrome (BBS). Identifiers: Orphanet 110, MedGen C0752166, MONDO:0015229.

Submission:

Labcorp Genetics (formerly Invitae), Labcorp
Classification: Pathogenic for Bardet-Biedl syndrome. Last evaluated: 2022-12-14. Review status: criteria provided, single submitter. Criteria: Invitae Variant Classification Sherloc (09022015). Collection method: clinical testing. Allele origin: germline.
Comment: For these reasons, this variant has been classified as Pathogenic. This variant has not been reported in the literature in individuals affected with BBS9-related conditions. This variant is a gross deletion of the genomic region encompassing exon(s) 13 of the BBS9 gene. This deletion is out-of-frame, and is expected to create a premature termination codon and result in an absent or disrupted protein product. Loss-of-function variants in BBS9 are known to be pathogenic (PMID: 16380913, 20177705).

Literature cited by the submitters: PubMed 16380913; PubMed 20177705.

NC_000007.13:g.(?_33388660)_(33388802_?)del

Gene: BBS9 (Bardet-Biedl syndrome 9; plus strand). Cytogenetic location: 7p14.3.
Variant type: Deletion.
Identifiers: ClinVar variation 2427650 (VCV002427650.4).